The following is an entry in ClinVar:

NM_001099403.2(PRDM8):c.1766C>T (p.Ala589Val)

Gene: PRDM8 (PR/SET domain 8; plus strand). Cytogenetic location: 4q21.21.
Variant type: single nucleotide variant.
Coding change: c.1766C>T on transcript NM_001099403.2 (MANE Select); coding-DNA position 1766, C replaced by T.
Protein change: p.Ala589Val; replaces alanine 589 with valine.
Molecular consequence: missense variant.
Genome position (GRCh38, 1-based): chr4:80,203,228, C>T. VCF-style: chr4-80203228-C-T. GRCh37 (hg19) VCF-style: chr4-81124382-C-T.
Other names: c.1766C>T, p.Ala589Val (NM_020226.4); short protein forms A589V.
Identifiers: ClinVar variation 2167283 (VCV002167283.3), dbSNP rs1560480450, ClinGen allele CA357402639.

ClinVar aggregate classification (germline): Uncertain significance (1 of 4 stars; one submission).

Conditions:
Early-onset Lafora body disease. Also called: Epilepsy, progressive myoclonic, 10. Identifiers: Orphanet 324290, MedGen C4225258, MONDO:0014717, OMIM 616640.

Allele frequency attached by ClinVar (database versions not stated): gnomAD exomes below 0.00001; gnomAD 0.00001; TOPMed 0.00001.
gnomAD v4.1: 5 of 1,555,842 alleles (0.00032%); highest among the groups gnomAD compares: Non-Finnish European, 0.00043%; no homozygotes.

Submission:

Labcorp Genetics (formerly Invitae), Labcorp
Classification: Uncertain significance for Early-onset Lafora body disease. Last evaluated: 2022-06-25. Review status: criteria provided, single submitter. Criteria: Invitae Variant Classification Sherloc (09022015). Collection method: clinical testing. Allele origin: germline.
Comment: This sequence change replaces alanine, which is neutral and non-polar, with valine, which is neutral and non-polar, at codon 589 of the PRDM8 protein (p.Ala589Val). This variant is not present in population databases (gnomAD no frequency). This variant has not been reported in the literature in individuals affected with PRDM8-related conditions. Algorithms developed to predict the effect of missense changes on protein structure and function are either unavailable or do not agree on the potential impact of this missense change (SIFT: "Deleterious"; PolyPhen-2: "Possibly Damaging"; Align-GVGD: "Class C0"). In summary, the available evidence is currently insufficient to determine the role of this variant in disease. Therefore, it has been classified as a Variant of Uncertain Significance.